The following is an entry in ClinVar:

NM_006206.6(PDGFRA):c.2875A>C (p.Lys959Gln)

Gene: PDGFRA (platelet derived growth factor receptor alpha; plus strand). Cytogenetic location: 4q12.
Variant type: single nucleotide variant.
Coding change: c.2875A>C on transcript NM_006206.6 (MANE Select); coding-DNA position 2875, A replaced by C.
Protein change: p.Lys959Gln; replaces lysine 959 with glutamine.
Molecular consequence: missense variant.
Genome position (GRCh38, 1-based): chr4:54,289,109, A>C. VCF-style: chr4-54289109-A-C. GRCh37 (hg19) VCF-style: chr4-55155276-A-C.
Other names: c.2950A>C, p.Lys984Gln (NM_001347828.2); c.2875A>C, p.Lys959Gln (NM_001347829.2); c.2914A>C, p.Lys972Gln (NM_001347830.2); short protein forms K959Q, K972Q, K984Q.
Identifiers: ClinVar variation 1797088 (VCV001797088.2), dbSNP rs2475561311, ClinGen allele CA356895876.

ClinVar aggregate classification (germline): Uncertain significance (1 of 4 stars; one submission).

Conditions:
Hereditary cancer-predisposing syndrome. Also called: Tumor predisposition; Hereditary Cancer Syndrome; Neoplastic Syndromes, Hereditary; Hereditary neoplastic syndrome. Identifiers: Orphanet 140162, MedGen C0027672, MeSH D009386, MONDO:0015356.

Submission:

Ambry Genetics
Classification: Uncertain significance for Hereditary cancer-predisposing syndrome. Last evaluated: 2021-07-04. Review status: criteria provided, single submitter. Criteria: Ambry Variant Classification Scheme 2023. Collection method: clinical testing. Allele origin: germline.
Comment: The p.K959Q variant (also known as c.2875A>C), located in coding exon 20 of the PDGFRA gene, results from an A to C substitution at nucleotide position 2875. The lysine at codon 959 is replaced by glutamine, an amino acid with similar properties. This amino acid position is conserved. In addition, the in silico prediction for this alteration is inconclusive. Since supporting evidence is limited at this time, the clinical significance of this alteration remains unclear.